The following is an entry in ClinVar:

ClinVar aggregate classification (germline): Uncertain significance (1 of 4 stars; one submission).

Submission:

GeneDx
Classification: Uncertain significance. Last evaluated: 2022-05-19. Review status: criteria provided, single submitter. Criteria: GeneDx Variant Classification Process June 2021. Collection method: clinical testing. Allele origin: germline. Affected: yes.
Comment: Not observed at significant frequency in large population cohorts (gnomAD); In silico analysis supports that this missense variant has a deleterious effect on protein structure/function; Has not been previously published as pathogenic or benign to our knowledge

NM_001375524.1(TRRAP):c.3335A>C (p.Glu1112Ala)

Gene: TRRAP (transformation/transcription domain associated protein; plus strand). Cytogenetic location: 7q22.1.
Variant type: single nucleotide variant.
Coding change: c.3335A>C on transcript NM_001375524.1 (MANE Select); coding-DNA position 3335, A replaced by C.
Protein change: p.Glu1112Ala; replaces glutamic acid 1112 with alanine.
Molecular consequence: missense variant.
Genome position (GRCh38, 1-based): chr7:98,930,148, A>C. VCF-style: chr7-98930148-A-C. GRCh37 (hg19) VCF-style: chr7-98527771-A-C.
Other names: c.3335A>C, p.Glu1112Ala (NM_001244580.2, NM_003496.4); short protein forms E1112A.
Identifiers: ClinVar variation 1800687 (VCV001800687.1), dbSNP rs2484776962, ClinGen allele CA368299151.
Genomic context (GRCh38, chr7:98,930,148, plus strand): 5'-TCATTGATGCAATTGCTATTTGTATGGCATATGAAGAAAAGGAGCTTTGCAAAATCGGGG[A>C]GGTGGCCCTAGCTGTGATATTTGATGTTGCAAGTATCATCCTGGGCTCCAAGGAGAGGGT-3'
Protein context (NP_001362453.1, residues 1102-1122): YEEKELCKIG[Glu1112Ala]VALAVIFDVA